The following is an entry in ClinVar:

ClinVar aggregate classification (germline): Likely benign. Review status: criteria provided, multiple submitters, no conflicts (2 of 4 stars). 2 submissions from 2 submitters: Likely benign (2). Last evaluated 2024-10-11.

Allele frequency attached by ClinVar (database versions not stated): gnomAD exomes 0.00077; ExAC 0.00102; ESP Exome Variant Server 0.00138; gnomAD 0.00145; TOPMed 0.00180; 1000 Genomes Project 0.00200; 1000 Genomes Project 30x 0.00203.
gnomAD v4.1: 1,405 of 1,613,906 alleles (0.087%); highest among the groups gnomAD compares: Admixed American, 0.32%; 3 homozygotes.

Submissions (2):

Blueprint Genetics
Classification: Likely benign. Last evaluated: 2024-10-11. Review status: criteria provided, single submitter. Criteria: ACMG Guidelines, 2015. Collection method: clinical testing. Allele origin: germline.

CeGaT Center for Human Genetics Tuebingen
Classification: Likely benign. Last evaluated: 2024-04-01. Review status: criteria provided, single submitter. Criteria: CeGaT Center For Human Genetics Tuebingen Variant Classification Criteria Version 2. Collection method: clinical testing. Allele origin: germline. Affected: yes. Observed: 1 variant allele.
Comment: AOPEP: BP4

NM_001193329.3(AOPEP):c.2320-4G>A

Gene: AOPEP (aminopeptidase O (putative); plus strand). Cytogenetic location: 9q22.32.
Variant type: single nucleotide variant.
Coding change: c.2320-4G>A on transcript NM_001193329.3 (MANE Select); 4 bases into the intron before coding-DNA position 2320, G replaced by A.
Molecular consequence: intron variant. On other transcripts: 3 prime UTR variant (1).
Genome position (GRCh38, 1-based): chr9:95,082,571, G>A. VCF-style: chr9-95082571-G-A. GRCh37 (hg19) VCF-style: chr9-97844853-G-A.
Other names: c.*358G>A (NM_001386074.1); c.2319+1791G>A (NM_001386068.1, NM_001386066.1); c.2202+1791G>A (NM_001386070.1); c.2182-4G>A (NM_001386063.2); c.2023-4G>A (NM_032823.6); c.2022+1791G>A (NM_001386069.1); c.1797+1791G>A (NM_001386067.1); c.1999-4G>A (NM_001386062.2); and 2 more.
Identifiers: ClinVar variation 3234199 (VCV003234199.21), dbSNP rs41281194, ClinGen allele CA5137109.